The following is an entry in ClinVar:

ClinVar aggregate classification (germline): Uncertain significance (1 of 4 stars; one submission).

Submission:

Labcorp Genetics (formerly Invitae), Labcorp
Classification: Uncertain significance. Last evaluated: 2023-06-14. Review status: criteria provided, single submitter. Criteria: Invitae Variant Classification Sherloc (09022015). Collection method: clinical testing. Allele origin: germline.
Comment: ClinVar contains an entry for this variant (Variation ID: 1986675). This variant has not been reported in the literature in individuals affected with MICAL1-related conditions. Information on the frequency of this variant in the gnomAD database is not available, as this variant may be reported differently in the database. This sequence change replaces arginine, which is basic and polar, with asparagine, which is neutral and polar, at codon 782 of the MICAL1 protein (p.Arg782Asn). In summary, the available evidence is currently insufficient to determine the role of this variant in disease. Therefore, it has been classified as a Variant of Uncertain Significance. An algorithm developed to predict the effect of missense changes on protein structure and function (PolyPhen-2) suggests that this variant is likely to be tolerated.

NM_022765.4(MICAL1):c.2288_2289delinsAT (p.Arg763Asn)

Gene: MICAL1 (microtubule associated monooxygenase, calponin and LIM domain containing 1; minus strand). Cytogenetic location: 6q21.
Variant type: Indel.
Coding change: c.2288_2289delinsAT on transcript NM_022765.4 (MANE Select); coding-DNA positions 2288 to 2289, GA replaced by AT.
Protein change: p.Arg763Asn; replaces arginine 763 with asparagine.
Molecular consequence: missense variant.
Genome position (GRCh38, 1-based): chr6:109,446,711-109,446,712, TC replaced by AT on the plus strand (GA replaced by AT on the coding strand, the reverse complement: MICAL1 is on the minus strand). VCF-style: chr6-109446711-TC-AT. GRCh37 (hg19) VCF-style: chr6-109767914-TC-AT.
Other names: c.2030_2031delinsAT, p.Arg677Asn (NM_001159291.2); c.2345_2346delinsAT, p.Arg782Asn (NM_001286613.2); short protein forms R763N, R782N, R677N.
Identifiers: ClinVar variation 1986675 (VCV001986675.4), dbSNP rs2482777532, ClinGen allele CA2580074749.